The following is an entry in ClinVar:

NM_001694.4(ATP6V0C):c.204C>T (p.Tyr68=)

Gene: ATP6V0C (ATPase H+ transporting V0 subunit c; plus strand). Cytogenetic location: 16p13.3.
Variant type: single nucleotide variant.
Coding change: c.204C>T on transcript NM_001694.4 (MANE Select); coding-DNA position 204, C replaced by T.
Protein change: p.Tyr68=; no amino-acid change (tyrosine 68 retained).
Molecular consequence: synonymous variant.
Genome position (GRCh38, 1-based): chr16:2,519,342, C>T. VCF-style: chr16-2519342-C-T. GRCh37 (hg19) VCF-style: chr16-2569343-C-T.
Other names: c.204C>T, p.Tyr68= (NM_001198569.2).
Identifiers: ClinVar variation 4821944 (VCV004821944.4).
Genomic context (GRCh38, chr16:2,519,342, plus strand): 5'-GCCGGAGCAGATCATGAAGTCCATCATCCCAGTGGTCATGGCTGGCATCATCGCCATCTA[C>T]GGCCTGGTGGTGGCAGTCCTCATCGCCAACTCCCTGAATGACGACATCAGCCTCTACAAG-3'
Protein context (NP_001685.1, residues 58-78): PVVMAGIIAI[Tyr68=]GLVVAVLIAN

ClinVar aggregate classification (germline): Likely benign (1 of 4 stars; one submission).

gnomAD v4.1: 146 of 1,614,044 alleles (0.009%); highest among the groups gnomAD compares: Non-Finnish European, 0.011%; no homozygotes.

Submission:

CeGaT Center for Human Genetics Tuebingen
Classification: Likely benign. Last evaluated: 2026-07-01. Review status: criteria provided, single submitter. Criteria: CeGaT Center For Human Genetics Tuebingen Variant Classification Criteria Version 2. Collection method: clinical testing. Allele origin: germline. Affected: yes. Observed: 2 variant alleles.
Comment: ATP6V0C: BP4, BP7